The following is an entry in ClinVar:

ClinVar aggregate classification (germline): Conflicting classifications of pathogenicity. Review status: criteria provided, conflicting classifications (1 of 4 stars). 2 submissions from 2 submitters: Pathogenic (1); Uncertain significance (1). Last evaluated 2024-04-29.

Submissions (2):

GeneDx
Classification: Pathogenic. Last evaluated: 2024-04-29. Review status: criteria provided, single submitter. Criteria: GeneDx Variant Classification Process June 2021. Collection method: clinical testing. Allele origin: germline. Affected: yes.
Comment: Not observed at significant frequency in large population cohorts (gnomAD); In silico analysis supports that this missense variant has a deleterious effect on protein structure/function; This variant is associated with the following publications: (PMID: 25617745, 33227818, 30615206, 35181986, 35395208)

Mayo Clinic Laboratories, Mayo Clinic
Classification: Uncertain significance. Last evaluated: 2018-02-15. Review status: criteria provided, single submitter. Criteria: ACMG Guidelines, 2015. Collection method: clinical testing. Allele origin: de novo.

NM_001349798.2(FBXW7):c.1514G>A (p.Arg505His)

Gene: FBXW7 (F-box and WD repeat domain containing 7; minus strand). Cytogenetic location: 4q31.3.
Variant type: single nucleotide variant.
Coding change: c.1514G>A on transcript NM_001349798.2 (MANE Select); coding-DNA position 1514, G replaced by A.
Protein change: p.Arg505His; replaces arginine 505 with histidine.
Molecular consequence: missense variant.
Genome position (GRCh38, 1-based): chr4:152,326,136, C>T on the plus strand (G>A on the coding strand, the complement: FBXW7 is on the minus strand). VCF-style: chr4-152326136-C-T. GRCh37 (hg19) VCF-style: chr4-153247288-C-T.
Other names: c.1514G>A, p.Arg505His (LRG_1141t1, NM_033632.3); c.1160G>A, p.Arg387His (LRG_1141t3, NM_001013415.2); c.1274G>A, p.Arg425His (LRG_1141t2, NM_018315.5); short protein forms R505H, R387H, R425H.
Identifiers: ClinVar variation 376425 (VCV000376425.6), dbSNP rs1057519896, ClinGen allele CA16602861.